The following is an entry in ClinVar:

ClinVar aggregate classification (germline): Likely benign (0 of 4 stars; one submission).

Conditions:
MITF-related disorder. Also called: MITF-related condition.

Allele frequency attached by ClinVar (database versions not stated): gnomAD exomes below 0.00001.

Submission:

PreventionGenetics, part of Exact Sciences
Classification: Likely benign for MITF-related condition. Last evaluated: 2022-05-06. Review status: no assertion criteria provided. Collection method: clinical testing. Allele origin: germline.
Comment: This variant is classified as likely benign based on ACMG/AMP sequence variant interpretation guidelines (Richards et al. 2015 PMID: 25741868, with internal and published modifications).

NM_001354604.2(MITF):c.355-1103T>A

Genes: MITF (melanocyte inducing transcription factor; plus strand), LOC107988030 (MITF-M promoter region; plus strand). Cytogenetic location: 3p13.
Variant type: single nucleotide variant.
Coding change: c.355-1103T>A on transcript NM_001354604.2 (MANE Select); 1103 bases into the intron before coding-DNA position 355, T replaced by A.
Molecular consequence: intron variant. On other transcripts: 5 prime UTR variant (4).
Genome position (GRCh38, 1-based): chr3:69,936,719, T>A. VCF-style: chr3-69936719-T-A. GRCh37 (hg19) VCF-style: chr3-69985870-T-A.
Other names: c.-4T>A (NM_000248.4, NM_001184968.2, NM_198158.3 and 1 more transcripts); c.304-1103T>A (NM_001354607.2); c.199-1103T>A (NM_001354608.2, NM_001184967.2); c.355-1103T>A (NM_198159.3); c.352-1103T>A (NM_001354605.2, NM_001354606.2, NM_006722.3); c.307-1103T>A (NM_198177.3).
Identifiers: ClinVar variation 3045068 (VCV003045068.2), dbSNP rs2471579447, ClinGen allele CA2666479100.